The following is an entry in ClinVar:

ClinVar aggregate classification (germline): Pathogenic/Likely pathogenic. Review status: criteria provided, multiple submitters, no conflicts (2 of 4 stars). 2 submissions from 2 submitters: Pathogenic (1); Likely pathogenic (1). Last evaluated 2023-09-03.

Conditions:
MYO7A-related disorder. Also called: MYO7A-related disorders.

Submissions (2):

Labcorp Genetics (formerly Invitae), Labcorp
Classification: Pathogenic. Last evaluated: 2023-09-03. Review status: criteria provided, single submitter. Criteria: Invitae Variant Classification Sherloc (09022015). Collection method: clinical testing. Allele origin: germline.
Comment: This sequence change affects a donor splice site in intron 4 of the MYO7A gene. It is expected to disrupt RNA splicing. Variants that disrupt the donor or acceptor splice site typically lead to a loss of protein function (PMID: 16199547), and loss-of-function variants in MYO7A are known to be pathogenic (PMID: 8900236, 25404053). For these reasons, this variant has been classified as Pathogenic. Algorithms developed to predict the effect of sequence changes on RNA splicing suggest that this variant may disrupt the consensus splice site. Disruption of this splice site has been observed in individuals with Usher syndrome (PMID: 29490346; Invitae). This variant is not present in population databases (gnomAD no frequency).

Blueprint Genetics
Classification: Likely pathogenic for MYO7A-related disorders. Last evaluated: 2022-02-07. Review status: criteria provided, single submitter. Criteria: ACMG Guidelines, 2015. Collection method: clinical testing. Allele origin: germline. Affected: yes. Observed: 1 variant allele.

Literature cited by the submitters: PubMed 16199547 (cited by Labcorp Genetics (formerly Invitae), Labcorp); PubMed 8900236 (cited by Labcorp Genetics (formerly Invitae), Labcorp); PubMed 25404053 (cited by Labcorp Genetics (formerly Invitae), Labcorp); PubMed 29490346 (cited by Labcorp Genetics (formerly Invitae), Labcorp).

NM_000260.4(MYO7A):c.285+2T>A

Gene: MYO7A (myosin VIIA; plus strand). Cytogenetic location: 11q13.5.
Variant type: single nucleotide variant.
Coding change: c.285+2T>A on transcript NM_000260.4 (MANE Select); the canonical splice donor site of the intron after coding-DNA position 285, T replaced by A.
Molecular consequence: splice donor variant.
Genome position (GRCh38, 1-based): chr11:77,147,952, T>A. VCF-style: chr11-77147952-T-A. GRCh37 (hg19) VCF-style: chr11-76858998-T-A.
Other names: c.252+2T>A (NM_001369365.1); c.285+2T>A (NM_001127180.2).
Identifiers: ClinVar variation 2757552 (VCV002757552.4), dbSNP rs782292032, ClinGen allele CA381929497.